The following is an entry in ClinVar:

NM_201596.3(CACNB2):c.1912G>T (p.Asp638Tyr)

Gene: CACNB2 (calcium voltage-gated channel auxiliary subunit beta 2; plus strand). Cytogenetic location: 10p12.31.
Variant type: single nucleotide variant.
Coding change: c.1912G>T on transcript NM_201596.3 (MANE Select); coding-DNA position 1912, G replaced by T.
Protein change: p.Asp638Tyr; replaces aspartic acid 638 with tyrosine.
Molecular consequence: missense variant.
Genome position (GRCh38, 1-based): chr10:18,539,653, G>T. VCF-style: chr10-18539653-G-T. GRCh37 (hg19) VCF-style: chr10-18828582-G-T.
Other names: c.1747G>T, p.Asp583Tyr (NM_000724.4); c.1714G>T, p.Asp572Tyr (NM_001167945.2); c.1633G>T, p.Asp545Tyr (NM_001330060.2); c.1768G>T, p.Asp590Tyr (NM_201570.3); c.1828G>T, p.Asp610Tyr (NM_201571.4); c.1756G>T, p.Asp586Tyr (NM_201572.4); c.1750G>T, p.Asp584Tyr (NM_201590.3); c.1798G>T, p.Asp600Tyr (NM_201593.3); and 1 more; short protein forms D583Y, D584Y, D545Y, D572Y, D600Y, D610Y, D586Y, D590Y.
Identifiers: ClinVar variation 1030474 (VCV001030474.9), dbSNP rs142735478, ClinGen allele CA376072809.

ClinVar aggregate classification (germline): Uncertain significance. Review status: criteria provided, multiple submitters, no conflicts (2 of 4 stars). 4 submissions from 4 submitters: Uncertain significance (4). Last evaluated 2025-10-14.

Conditions:
Cardiovascular phenotype. Identifiers: MedGen CN230736.
Brugada syndrome 4 (BRGDA4). Identifiers: Orphanet 130, MedGen C2678477, MONDO:0012743, OMIM 611876.

Allele frequency attached by ClinVar (database versions not stated): gnomAD exomes 0.00001 and below 0.00001; gnomAD 0.00001; TOPMed 0.00001.
gnomAD v4.1: 20 of 1,613,248 alleles (0.0012%); highest among the groups gnomAD compares: Non-Finnish European, 0.0017%; no homozygotes.

Submissions (4):

Ambry Genetics
Classification: Uncertain significance for Cardiovascular phenotype. Last evaluated: 2025-10-14. Review status: criteria provided, single submitter. Criteria: Ambry Variant Classification Scheme 2023. Collection method: clinical testing. Allele origin: germline.
Comment: The p.D584Y variant (also known as c.1750G>T), located in coding exon 13 of the CACNB2 gene, results from a G to T substitution at nucleotide position 1750. The aspartic acid at codon 584 is replaced by tyrosine, an amino acid with highly dissimilar properties. This amino acid position is not well conserved in available vertebrate species. In addition, the in silico prediction for this alteration is inconclusive. Since supporting evidence is limited at this time, the clinical significance of this alteration remains unclear.

Fulgent Genetics
Classification: Uncertain significance for Brugada syndrome 4. Last evaluated: 2021-08-23. Review status: criteria provided, single submitter. Criteria: ACMG Guidelines, 2015. Collection method: clinical testing. Allele origin: unknown.

Labcorp Genetics (formerly Invitae), Labcorp
Classification: Uncertain significance for Brugada syndrome 4. Last evaluated: 2021-08-20. Review status: criteria provided, single submitter. Criteria: Invitae Variant Classification Sherloc (09022015). Collection method: clinical testing. Allele origin: germline.
Comment: This sequence change replaces aspartic acid with tyrosine at codon 584 of the CACNB2 protein (p.Asp584Tyr). The aspartic acid residue is moderately conserved and there is a large physicochemical difference between aspartic acid and tyrosine. This variant is not present in population databases (ExAC no frequency). This variant has not been reported in the literature in individuals affected with CACNB2-related conditions. Algorithms developed to predict the effect of missense changes on protein structure and function are either unavailable or do not agree on the potential impact of this missense change (SIFT: "Deleterious"; PolyPhen-2: "Probably Damaging"; Align-GVGD: "Class C0"). Algorithms developed to predict the effect of sequence changes on RNA splicing suggest that this variant may create or strengthen a splice site. In summary, the available evidence is currently insufficient to determine the role of this variant in disease. Therefore, it has been classified as a Variant of Uncertain Significance.

Baylor Genetics
Classification: Uncertain significance for Brugada syndrome 4. Last evaluated: 2020-07-29. Review status: criteria provided, single submitter. Criteria: ACMG Guidelines, 2015. Collection method: clinical testing. Allele origin: unknown. Affected: yes.
Comment: This variant was determined to be of uncertain significance according to ACMG Guidelines, 2015 [PMID:25741868].